The following is an entry in ClinVar:

ClinVar aggregate classification (germline): Uncertain significance (1 of 4 stars; one submission).

Conditions:
Neuronal ceroid lipofuscinosis 11. Also called: GRN-Related Neuronal Ceroid-Lipofuscinosis. Identifiers: Orphanet 314629, Orphanet 79262, MedGen C3539123, MONDO:0013866, OMIM 614706.
GRN-related frontotemporal lobar degeneration with Tdp43 inclusions (FTD2). Also called: DEMENTIA, HEREDITARY DYSPHASIC DISINHIBITION; FRONTOTEMPORAL LOBAR DEGENERATION WITH UBIQUITIN-POSITIVE INCLUSIONS; FTLD-TDP, GRN-RELATED; FRONTOTEMPORAL DEMENTIA WITH TDP43 INCLUSIONS, GRN-RELATED; GRN Frontotemporal Dementia. Identifiers: Orphanet 100070, Orphanet 282, MedGen C1843792, MONDO:0011842, OMIM 607485. Disease mechanism: loss of function.

Submission:

Labcorp Genetics (formerly Invitae), Labcorp
Classification: Uncertain significance for Neuronal ceroid lipofuscinosis 11; GRN-related frontotemporal lobar degeneration with Tdp43 inclusions. Last evaluated: 2025-10-26. Review status: criteria provided, single submitter. Criteria: Invitae Variant Classification Sherloc (09022015). Collection method: clinical testing. Allele origin: germline.
Comment: This sequence change replaces aspartic acid, which is acidic and polar, with glycine, which is neutral and non-polar, at codon 554 of the GRN protein (p.Asp554Gly). This variant is not present in population databases (gnomAD no frequency). This variant has not been reported in the literature in individuals affected with GRN-related conditions. Invitae Evidence Modeling of protein sequence and biophysical properties (such as structural, functional, and spatial information, amino acid conservation, physicochemical variation, residue mobility, and thermodynamic stability) indicates that this missense variant is expected to disrupt GRN protein function with a positive predictive value of 80%. In summary, the available evidence is currently insufficient to determine the role of this variant in disease. Therefore, it has been classified as a Variant of Uncertain Significance.

NM_002087.4(GRN):c.1661A>G (p.Asp554Gly)

Gene: GRN (granulin precursor; plus strand). Cytogenetic location: 17q21.31.
Variant type: single nucleotide variant.
Coding change: c.1661A>G on transcript NM_002087.4 (MANE Select); coding-DNA position 1661, A replaced by G.
Protein change: p.Asp554Gly; replaces aspartic acid 554 with glycine.
Molecular consequence: missense variant.
Genome position (GRCh38, 1-based): chr17:44,352,677, A>G. VCF-style: chr17-44352677-A-G. GRCh37 (hg19) VCF-style: chr17-42430045-A-G.
Other names: short protein forms D554G.
Identifiers: ClinVar variation 4789027 (VCV004789027.1).
Genomic context (GRCh38, chr17:44,352,677, plus strand): 5'-GGTCCCACCTCGTCCAACCCTCTCGCCCCCCTCTGACCATCCAGGGCGTCTGTTGTGCTG[A>G]TCGGCGCCACTGCTGTCCTGCTGGCTTCCGCTGCGCAGCCAGGGGTACCAAGTGTTTGCG-3'
Protein context (NP_002078.1, residues 544-564): CPYRQGVCCA[Asp554Gly]RRHCCPAGFR